The following is an entry in ClinVar:

NM_001110354.2(ZP3):c.727G>A (p.Gly243Ser)

Gene: ZP3 (zona pellucida glycoprotein 3; plus strand). Cytogenetic location: 7q11.23.
Variant type: single nucleotide variant.
Coding change: c.727G>A on transcript NM_001110354.2 (MANE Select); coding-DNA position 727, G replaced by A.
Protein change: p.Gly243Ser; replaces glycine 243 with serine.
Molecular consequence: missense variant.
Genome position (GRCh38, 1-based): chr7:76,434,051, G>A. VCF-style: chr7-76434051-G-A. GRCh37 (hg19) VCF-style: chr7-76063368-G-A.
Other names: NC_000007.13:g.76063368G>A; c.574G>A, p.Gly192Ser (NM_007155.6); short protein forms G192S, G243S.
Identifiers: ClinVar variation 2657625 (VCV002657625.25), dbSNP rs147549399, ClinGen allele CA4307494.
Genomic context (GRCh38, chr7:76,434,051, plus strand): 5'-GCCCGGCCCACCTGTCTGGCTTTAATACCGTTCTGTTTTCTTCCAAGCTGTCTTGTCGAC[G>A]GTCTCACTGATGCCTCTTCTGCATTCAAAGTTCCTCGACCCGGGCCAGATACACTCCAGT-3'
Protein context (NP_001103824.1, residues 233-253): IVDFHGCLVD[Gly243Ser]LTDASSAFKV

ClinVar aggregate classification (germline): Benign (1 of 4 stars; one submission).

Allele frequency attached by ClinVar (database versions not stated): 1000 Genomes Project 30x 0.00109; gnomAD 0.00199; 1000 Genomes Project 0.00220; gnomAD exomes 0.00292; ExAC 0.00377; ESP Exome Variant Server 0.00393.
gnomAD v4.1: 3,954 of 1,399,812 alleles (0.28%); highest among the groups gnomAD compares: Middle Eastern, 0.8%; 434 homozygotes.

Submissions (3):

CeGaT Center for Human Genetics Tuebingen
Classification: Benign. Last evaluated: 2026-09-01. Review status: criteria provided, single submitter. Criteria: CeGaT Center For Human Genetics Tuebingen Variant Classification Criteria Version 2. Collection method: clinical testing. Allele origin: germline. Affected: yes. Observed: 16 variant alleles.
Comment: ZP3: BP4, BS1, BS2

Dr. Peter K. Rogan Lab, Western University
No classification provided (evidence only). Condition: Melanoma. Review status: no classification provided. Collection method: in vitro. Allele origin: not applicable. Functional consequence: retained intron. Not counted in ClinVar's aggregate classification.

Dr. Peter K. Rogan Lab, Western University
No classification provided (evidence only). Condition: Uveal melanoma. Review status: no classification provided. Collection method: in vitro. Allele origin: not applicable. Functional consequence: skipped exon, retained intron. Not counted in ClinVar's aggregate classification.